The following is an entry in ClinVar:

NM_000059.4(BRCA2):c.5184C>T (p.Asp1728=)

Gene: BRCA2 (BRCA2 DNA repair associated; plus strand). Cytogenetic location: 13q13.1.
Variant type: single nucleotide variant.
Coding change: c.5184C>T on transcript NM_000059.4 (MANE Select); coding-DNA position 5184, C replaced by T.
Protein change: p.Asp1728=; no amino-acid change (aspartic acid 1728 retained).
Molecular consequence: synonymous variant.
Genome position (GRCh38, 1-based): chr13:32,339,539, C>T. VCF-style: chr13-32339539-C-T. GRCh37 (hg19) VCF-style: chr13-32913676-C-T.
Identifiers: ClinVar variation 1678793 (VCV001678793.2), dbSNP rs2137514804, ClinGen allele CA483438328.

ClinVar aggregate classification (germline): Likely benign (1 of 4 stars; one submission).

Submission:

GeneDx
Classification: Likely benign. Last evaluated: 2018-09-28. Review status: criteria provided, single submitter. Criteria: GeneDx Variant Classification Process June 2021. Collection method: clinical testing. Allele origin: germline. Affected: yes.
Comment: See Variant Classification Assertion Criteria.